The following is an entry in ClinVar:

NM_014141.6(CNTNAP2):c.3080G>C (p.Arg1027Thr)

Gene: CNTNAP2 (contactin associated protein 2; plus strand). Cytogenetic location: 7q36.1.
Variant type: single nucleotide variant.
Coding change: c.3080G>C on transcript NM_014141.6 (MANE Select); coding-DNA position 3080, G replaced by C.
Protein change: p.Arg1027Thr; replaces arginine 1027 with threonine.
Molecular consequence: missense variant.
Genome position (GRCh38, 1-based): chr7:148,217,357, G>C. VCF-style: chr7-148217357-G-C. GRCh37 (hg19) VCF-style: chr7-147914449-G-C.
Other names: short protein forms R1027T.
Identifiers: ClinVar variation 2037823 (VCV002037823.3), dbSNP rs376252602, ClinGen allele CA4546546.
Genomic context (GRCh38, chr7:148,217,357, plus strand): 5'-CATTTTTTGAAGAAGGGATGTGGCTACGATATAACTTTCAGGCACCAGCAACAAATGCCA[G>C]AGACTCCAGCAGCAGAGTAGACAACGCTCCCGACCAGCAGAACTCCCACCCGGACCTGGC-3'
Protein context (NP_054860.1, residues 1017-1037): YNFQAPATNA[Arg1027Thr]DSSSRVDNAP

ClinVar aggregate classification (germline): Uncertain significance (1 of 4 stars; one submission).

Conditions:
Cortical dysplasia-focal epilepsy syndrome (PTHSL1). Also called: Pitt-Hopkins-like syndrome 1. Identifiers: Orphanet 163681, Orphanet 221150, MedGen C2750246, MONDO:0012400, OMIM 610042.

Allele frequency attached by ClinVar (database versions not stated): gnomAD exomes below 0.00001; ExAC 0.00002; gnomAD 0.00002; TOPMed 0.00002; ESP Exome Variant Server 0.00008.
gnomAD v4.1: 9 of 1,613,992 alleles (0.00056%); highest among the groups gnomAD compares: African/African-American, 0.0013%; no homozygotes.

Submission:

Labcorp Genetics (formerly Invitae), Labcorp
Classification: Uncertain significance for Cortical dysplasia-focal epilepsy syndrome. Last evaluated: 2022-04-12. Review status: criteria provided, single submitter. Criteria: Invitae Variant Classification Sherloc (09022015). Collection method: clinical testing. Allele origin: germline.
Comment: In summary, the available evidence is currently insufficient to determine the role of this variant in disease. Therefore, it has been classified as a Variant of Uncertain Significance. Algorithms developed to predict the effect of missense changes on protein structure and function (SIFT, PolyPhen-2, Align-GVGD) all suggest that this variant is likely to be tolerated. This variant has not been reported in the literature in individuals affected with CNTNAP2-related conditions. This variant is present in population databases (rs376252602, gnomAD 0.002%). This sequence change replaces arginine, which is basic and polar, with threonine, which is neutral and polar, at codon 1027 of the CNTNAP2 protein (p.Arg1027Thr).